The following is an entry in ClinVar:

ClinVar aggregate classification (germline): Uncertain significance (0 of 4 stars; one submission).

Conditions:
DYRK1B-related disorder. Also called: DYRK1B-related condition.

Submission:

PreventionGenetics, part of Exact Sciences
Classification: Uncertain significance for DYRK1B-related condition. Last evaluated: 2024-06-28. Review status: no assertion criteria provided. Collection method: clinical testing. Allele origin: germline.
Comment: The DYRK1B c.1726T>C variant is predicted to result in the amino acid substitution p.Ser576Pro. To our knowledge, this variant has not been reported in the literature or in a large population database, indicating this variant is rare. At this time, the clinical significance of this variant is uncertain due to the absence of conclusive functional and genetic evidence.

NM_004714.3(DYRK1B):c.1726T>C (p.Ser576Pro)

Gene: DYRK1B (dual specificity tyrosine phosphorylation regulated kinase 1B; minus strand). Cytogenetic location: 19q13.2.
Variant type: single nucleotide variant.
Coding change: c.1726T>C on transcript NM_004714.3 (MANE Select); coding-DNA position 1726, T replaced by C.
Protein change: p.Ser576Pro; replaces serine 576 with proline.
Molecular consequence: missense variant.
Genome position (GRCh38, 1-based): chr19:39,825,879, A>G on the plus strand (T>C on the coding strand, the complement: DYRK1B is on the minus strand). VCF-style: chr19-39825879-A-G. GRCh37 (hg19) VCF-style: chr19-40316519-A-G.
Other names: c.1606T>C, p.Ser536Pro (NM_006483.3); c.1642T>C, p.Ser548Pro (NM_006484.3); short protein forms S536P, S548P, S576P.
Identifiers: ClinVar variation 3346671 (VCV003346671.1).